The following is an entry in ClinVar:

ClinVar aggregate classification (germline): Pathogenic (1 of 4 stars; one submission).

Submission:

Labcorp Genetics (formerly Invitae), Labcorp
Classification: Pathogenic. Last evaluated: 2023-12-10. Review status: criteria provided, single submitter. Criteria: Invitae Variant Classification Sherloc (09022015). Collection method: clinical testing. Allele origin: germline.
Comment: This sequence change creates a premature translational stop signal (p.Trp368Glyfs*25) in the PHEX gene. It is expected to result in an absent or disrupted protein product. Loss-of-function variants in PHEX are known to be pathogenic (PMID: 9097956, 9106524, 19219621). This variant is not present in population databases (gnomAD no frequency). This variant has not been reported in the literature in individuals affected with PHEX-related conditions. For these reasons, this variant has been classified as Pathogenic.

Literature cited by the submitters: PubMed 9097956; PubMed 9106524; PubMed 19219621.

NM_000444.6(PHEX):c.1102del (p.Trp368fs)

Gene: PHEX (phosphate regulating endopeptidase X-linked; plus strand). Cytogenetic location: Xp22.11.
Variant type: Deletion.
Coding change: c.1102del on transcript NM_000444.6 (MANE Select); coding-DNA position 1102, one base deleted (T; older notation c.1102delT).
Protein change: p.Trp368fs; shifts the reading frame from tryptophan 368.
Molecular consequence: frameshift variant.
Genome position (GRCh38, 1-based): chrX:22,111,489, T deleted. VCF-style (leftmost placement, unchanged base first): chrX-22111488-GT-G. GRCh37 (hg19) VCF-style: chrX-22129606-GT-G.
Other names: c.1102del, p.Trp368fs (NM_001282754.2); short protein forms W368fs.
Identifiers: ClinVar variation 2701953 (VCV002701953.3), dbSNP rs2518515512, ClinGen allele CA2697552902.